The following is an entry in ClinVar:

ClinVar aggregate classification (germline): Likely benign (1 of 4 stars; one submission).

Submission:

Laboratory for Molecular Medicine, Mass General Brigham Personalized Medicine
Classification: Likely benign. Last evaluated: 2018-07-20. Review status: criteria provided, single submitter. Criteria: LMM Criteria. Collection method: clinical testing. Allele origin: germline. Observed: 1 variant allele.
Comment: The p.Tyr2325Tyr variant in TRIOBP is classified as likely benign because it doe s not alter an amino acid residue, it is not located within the splice consensus sequence, and splice prediction algorithms do not predict a newly created splic e site. ACMG/AMP Criteria applied: BP4, BP7.

NM_001039141.3(TRIOBP):c.6975T>C (p.Tyr2325=)

Gene: TRIOBP (TRIO and F-actin binding protein; plus strand). Cytogenetic location: 22q13.1.
Variant type: single nucleotide variant.
Coding change: c.6975T>C on transcript NM_001039141.3 (MANE Select); coding-DNA position 6975, T replaced by C.
Protein change: p.Tyr2325=; no amino-acid change (tyrosine 2325 retained).
Molecular consequence: synonymous variant.
Genome position (GRCh38, 1-based): chr22:37,772,639, T>C. VCF-style: chr22-37772639-T-C. GRCh37 (hg19) VCF-style: chr22-38168646-T-C.
Other names: c.1836T>C, p.Tyr612= (NM_007032.5).
Identifiers: ClinVar variation 666773 (VCV000666773.4), dbSNP rs1601672944, ClinGen allele CA514525572.